The following is an entry in ClinVar:

ClinVar aggregate classification (germline): Uncertain significance. Review status: criteria provided, multiple submitters, no conflicts (2 of 4 stars). 2 submissions from 2 submitters: Uncertain significance (2). Last evaluated 2025-08-31.

Allele frequency attached by ClinVar (database versions not stated): TOPMed 0.00014; ESP Exome Variant Server 0.00015; 1000 Genomes Project 30x 0.00016; 1000 Genomes Project 0.00020; gnomAD 0.00021; gnomAD exomes 0.00022 and 0.00025; ExAC 0.00041.
gnomAD v4.1: 352 of 1,608,520 alleles (0.022%); highest among the groups gnomAD compares: Non-Finnish European, 0.024%; 1 homozygote.

Submissions (2):

Ambry Genetics
Classification: Uncertain significance. Last evaluated: 2025-08-31. Review status: criteria provided, single submitter. Criteria: Ambry Variant Classification Scheme 2023. Collection method: clinical testing. Allele origin: germline.

Labcorp Genetics (formerly Invitae), Labcorp
Classification: Uncertain significance. Last evaluated: 2022-07-19. Review status: criteria provided, single submitter. Criteria: Invitae Variant Classification Sherloc (09022015). Collection method: clinical testing. Allele origin: germline.
Comment: This sequence change replaces glutamine, which is neutral and polar, with glutamic acid, which is acidic and polar, at codon 1868 of the CCDC88A protein (p.Gln1868Glu). This variant is present in population databases (rs200404307, gnomAD 0.07%). This variant has not been reported in the literature in individuals affected with CCDC88A-related conditions. ClinVar contains an entry for this variant (Variation ID: 1421774). Algorithms developed to predict the effect of missense changes on protein structure and function are either unavailable or do not agree on the potential impact of this missense change (SIFT: "Deleterious"; PolyPhen-2: "Benign"; Align-GVGD: "Class C0"). In summary, the available evidence is currently insufficient to determine the role of this variant in disease. Therefore, it has been classified as a Variant of Uncertain Significance.

NM_001365480.1(CCDC88A):c.5605C>G (p.Gln1869Glu)

Gene: CCDC88A (coiled-coil and HOOK domain protein 88A; minus strand). Cytogenetic location: 2p16.1.
Variant type: single nucleotide variant.
Coding change: c.5605C>G on transcript NM_001365480.1 (MANE Select); coding-DNA position 5605, C replaced by G.
Protein change: p.Gln1869Glu; replaces glutamine 1869 with glutamic acid.
Molecular consequence: missense variant.
Genome position (GRCh38, 1-based): chr2:55,291,722, G>C on the plus strand (C>G on the coding strand, the complement: CCDC88A is on the minus strand). VCF-style: chr2-55291722-G-C. GRCh37 (hg19) VCF-style: chr2-55518858-G-C.
Other names: c.5602C>G, p.Gln1868Glu (NM_001135597.2); c.5380C>G, p.Gln1794Glu (NM_001254943.2); c.5521C>G, p.Gln1841Glu (NM_018084.5); c.5602C>G (NM_001135597.1); short protein forms Q1794E, Q1868E, Q1869E, Q1841E.
Identifiers: ClinVar variation 1421774 (VCV001421774.4), dbSNP rs200404307, ClinGen allele CA1665237.